The following is an entry in ClinVar:

NM_022552.5(DNMT3A):c.1015-2A>G

Gene: DNMT3A (DNA methyltransferase 3 alpha; minus strand). Cytogenetic location: 2p23.3.
Variant type: single nucleotide variant.
Coding change: c.1015-2A>G on transcript NM_022552.5 (MANE Select); the canonical splice acceptor site of the intron before coding-DNA position 1015, A replaced by G.
Molecular consequence: splice acceptor variant.
Genome position (GRCh38, 1-based): chr2:25,247,160, T>C on the plus strand (A>G on the coding strand, the complement: DNMT3A is on the minus strand). VCF-style: chr2-25247160-T-C. GRCh37 (hg19) VCF-style: chr2-25470029-T-C.
Other names: c.1015-2A>G (NM_175629.2); c.448-2A>G (NM_153759.3); c.559-2A>G (NM_001320893.1); c.346-2A>G (NM_001375819.1).
Identifiers: ClinVar variation 424352 (VCV000424352.4), dbSNP rs920946076, ClinGen allele CA16617516.

ClinVar aggregate classification (germline): Likely pathogenic. Review status: criteria provided, multiple submitters, no conflicts (2 of 4 stars). 2 submissions from 2 submitters: Likely pathogenic (2). Last evaluated 2017-03-27.

Conditions:
Heyn-Sproul-Jackson syndrome. Also called: MICROCEPHALY, SHORT STATURE, AND IMPAIRED INTELLECTUAL DEVELOPMENT. Identifiers: Orphanet 658595, MedGen C5231475, MONDO:0032882, OMIM 618724.
Tatton-Brown-Rahman overgrowth syndrome. Also called: Tall stature-intellectual disability-facial dysmorphism syndrome; Tatton-Brown-Rahman syndrome. Identifiers: Orphanet 404443, MedGen C4014545, MONDO:0014382, OMIM 615879.
Acute myeloid leukemia (AML). Also called: Leukemia, acute myeloid, somatic; Leukemia, acute myelogenous, somatic; Acute myeloid leukemia, adult; AML adult; Acute non-lymphocytic leukemia; Acute granulocytic leukemia. Identifiers: Orphanet 519, MedGen C0023467, MeSH D015470, MONDO:0018874, OMIM 601626, HP:0004808. Disease mechanism: Constitutively activated FLT3.

Allele frequency attached by ClinVar (database versions not stated): gnomAD exomes below 0.00001; gnomAD 0.00001; 1000 Genomes Project 30x 0.00016.
gnomAD v4.1: 11 of 1,613,374 alleles (0.00068%); highest among the groups gnomAD compares: Non-Finnish European, 0.00076%; no homozygotes.

Submissions (2):

GeneDx
Classification: Likely pathogenic. Last evaluated: 2017-03-27. Review status: criteria provided, single submitter. Criteria: GeneDx Variant Classification (06012015). Collection method: clinical testing. Allele origin: germline. Affected: yes.
Comment: The c.1015-2A>G variant in the DNMT3A gene has not been reported previously as a pathogenic variant nor as a benign variant, to our knowledge. This splice site variant destroys the canonical splice acceptor site in intron 8. It is predicted to cause abnormal gene splicing, either leading to an abnormal message that is subject to nonsense-mediated mRNA decay, or to an abnormal protein product if the message is used for protein translation. The c.1015-2A>G variant is not observed in large population cohorts (Lek et al., 2016; 1000 Genomes Consortium et al., 2015; Exome Variant Server). The c.1015-2A>G variant is a strong candidate for a pathogenic variant, however the possibility it may be a rare benign variant cannot be excluded.

Juno Genomics, Hangzhou Juno Genomics, Inc
Classification: Likely pathogenic for Tatton-Brown-Rahman overgrowth syndrome; Acute myeloid leukemia; Heyn-Sproul-Jackson syndrome. Review status: criteria provided, single submitter. Criteria: ACMG Guidelines, 2015. Collection method: clinical testing. Allele origin: germline.
Comment: Absent from controls (or at extremely low frequency if recessive) in Genome Aggregation Database.;Null variant in a gene where loss of function (LOF) is a known mechanism of disease.;The prevalence of the variant in affected individuals is significantly increased compared to the prevalence in controls.;Patient's phenotype or family history is highly specific for a disease with a single genetic etiology.